The following is an entry in ClinVar:

NM_001009944.3(PKD1):c.359+5G>A

Gene: PKD1 (polycystin 1, transient receptor potential channel interacting; minus strand). Cytogenetic location: 16p13.3.
Variant type: single nucleotide variant.
Coding change: c.359+5G>A on transcript NM_001009944.3 (MANE Select); 5 bases into the intron after coding-DNA position 359, G replaced by A.
Molecular consequence: intron variant.
Genome position (GRCh38, 1-based): chr16:2,119,109, C>T on the plus strand (G>A on the coding strand, the complement: PKD1 is on the minus strand). VCF-style: chr16-2119109-C-T. GRCh37 (hg19) VCF-style: chr16-2169110-C-T.
Other names: c.359+5G>A (NM_001009944.2, NM_000296.4).
Identifiers: ClinVar variation 993911 (VCV000993911.11), dbSNP rs2092683412, ClinGen allele CA1139664408.

ClinVar aggregate classification (germline): Conflicting classifications of pathogenicity. Review status: criteria provided, conflicting classifications (1 of 4 stars). 3 submissions from 3 submitters: Likely pathogenic (1); Uncertain significance (2). Last evaluated 2024-10-08.

Conditions:
Polycystic kidney disease, adult type (PKD1). Also called: Polycystic Kidney Disease 1, Autosomal Dominant; Polycystic kidney disease 1; Polycystic kidney disease 1, severe; POLYCYSTIC KIDNEY DISEASE, ADULT, TYPE I; POLYCYSTIC KIDNEY DISEASE 1 WITH OR WITHOUT POLYCYSTIC LIVER DISEASE; Polycystic Kidney, Autosomal Dominant. Identifiers: MedGen C3149841, MONDO:0008263, OMIM 173900.

Submissions (3):

Victorian Clinical Genetics Services, Murdoch Childrens Research Institute
Classification: Likely pathogenic for Polycystic kidney disease, adult type. Last evaluated: 2024-10-08. Review status: criteria provided, single submitter. Criteria: ACMG Guidelines, 2015. Collection method: clinical testing. Allele origin: germline. Inheritance: Autosomal dominant inheritance. Affected: yes.
Comment: Based on the classification scheme VCGS_Germline_v1.3.4, this variant is classified as Likely pathogenic. Following criteria are met: 0102 - Loss of function is a known mechanism of disease in this gene and is associated with polycystic kidney disease 1 (MIM#173900). (I) 0107 - This gene is associated with autosomal dominant disease. Polycystic kidney disease 1 (MIM#173900) is predominantly caused by monoallelic variants, with rare reports of biallelic variants causing disease (OMIM). (I) 0212 - Non-canonical splice site variant without proven consequence on splicing (no functional evidence available). (SP) 0251 - This variant is heterozygous. (I) 0301 - Variant is absent from gnomAD (both v2 and v3). (SP) 0505 - Abnormal splicing is predicted by in silico tools and affected nucleotide is highly conserved. (SP) 0705 - No comparable splice site variants have previous evidence for pathogenicity. (I) 0809 - Previous evidence of pathogenicity for this variant is inconclusive. It has been classified as a VUS by diagnostic laboratories in ClinVar. (I) 0905 - No published segregation evidence has been identified for this variant. (I) 1007 - No published functional evidence has been identified for this variant. (SP Legend: (SP) - Supporting pathogenic, (I) - Information, (SB) - Supporting benign

Fulgent Genetics
Classification: Uncertain significance for Polycystic kidney disease, adult type. Last evaluated: 2022-02-15. Review status: criteria provided, single submitter. Criteria: ACMG Guidelines, 2015. Collection method: clinical testing. Allele origin: unknown.

ARUP Laboratories, Molecular Genetics and Genomics, ARUP Laboratories
Classification: Uncertain significance for Polycystic kidney disease, adult type. Last evaluated: 2019-11-02. Review status: criteria provided, single submitter. Criteria: ARUP Molecular Germline Variant Investigation Process. Collection method: clinical testing. Allele origin: germline.
Comment: The PKD1 c.359+5G>A variant, to our knowledge, is not reported in the medical literature or gene specific databases. This variant is also absent from general population databases (Exome Variant Server, Genome Aggregation Database), indicating it is not a common polymorphism. This is an intronic variant in a well conserved nucleotide, and computational analyses (Alamut v.2.11) predict that this variant may impact splicing by weakening the nearby canonical donor splice site. Other variants altering this splice site (c.359+1G>A, c.359+2T>C, c.359+2T>G) have been reported in individuals affected with ADPKD (Audrezet 2012, Irazabal 2011, Kinoshita 2016). However, given the lack of clinical and functional data, the significance of the c.359+5G>A variant is uncertain at this time. REFERENCES Audrezet MP et al. Autosomal dominant polycystic kidney disease: comprehensive mutation analysis of PKD1 and PKD2 in 700 unrelated patients. Hum Mutat. 2012 Aug;33(8):1239-50. Irazabal MV et al. Extended follow-up of unruptured intracranial aneurysms detected by presymptomatic screening in patients with autosomal dominant polycystic kidney disease. Clin J Am Soc Nephrol. 2011 Jun;6(6):1274-85. Kinoshita M et al. Technical Evaluation: Identification of Pathogenic Mutations in PKD1 and PKD2 in Patients with Autosomal Dominant Polycystic Kidney Disease by Next-Generation Sequencing and Use of a Comprehensive New Classification System. PLoS One. 2016 Nov 11;11(11):e0166288.